The following is an entry in ClinVar:

NM_004006.3(DMD):c.1482+3A>G

Gene: DMD (dystrophin; minus strand). Cytogenetic location: Xp21.1.
Variant type: single nucleotide variant.
Coding change: c.1482+3A>G on transcript NM_004006.3 (MANE Select); 3 bases into the intron after coding-DNA position 1482, A replaced by G.
Molecular consequence: intron variant.
Genome position (GRCh38, 1-based): chrX:32,614,300, T>C on the plus strand (A>G on the coding strand, the complement: DMD is on the minus strand). VCF-style: chrX-32614300-T-C. GRCh37 (hg19) VCF-style: chrX-32632417-T-C.
Other names: c.1458+3A>G (NM_000109.4); c.1470+3A>G (NM_004009.3); c.1113+3A>G (NM_004010.3).
Identifiers: ClinVar variation 291117 (VCV000291117.16), dbSNP rs368825354, ClinGen allele CA10379848.
Genomic context (GRCh38, chrX:32,614,300, plus strand): 5'-GTATAGGTACTATACACAGAGTTTGCTTTCTAGTAGAAAGCACGCAACATAAGATACACC[T>C]ACCTTATGTTGTTGTACTTGGCGTTTTAGGTCTTCAAGATCAGGTCCAAGAGGCTCTTCC-3'

ClinVar aggregate classification (germline): Uncertain significance. Review status: criteria provided, multiple submitters, no conflicts (2 of 4 stars). 5 submissions from 5 submitters: Uncertain significance (4). 1 of the submissions does not count toward it. Last evaluated 2025-10-10.

Conditions:
Cardiovascular phenotype. Identifiers: MedGen CN230736.
Cardiomyopathy (CMYO). Also called: Cardiomyopathies. Identifiers: Orphanet 167848, MedGen C0878544, MONDO:0004994, HP:0001638. Inheritance: Various modes of inheritance.
Becker muscular dystrophy (BMD). Also called: MUSCULAR DYSTROPHY, PSEUDOHYPERTROPHIC PROGRESSIVE, BECKER TYPE; Becker Muscular Dystrophy (BMD). Identifiers: Orphanet 98895, MedGen C0917713, MONDO:0010311, OMIM 300376.
Duchenne muscular dystrophy (DMD). Also called: Duchenne Muscular Dystrophy (DMD); MUSCULAR DYSTROPHY, PSEUDOHYPERTROPHIC PROGRESSIVE, DUCHENNE TYPE. Identifiers: Orphanet 98896, MedGen C0013264, MONDO:0010679, OMIM 310200.
Dystrophin deficiency.

Allele frequency attached by ClinVar (database versions not stated): ESP Exome Variant Server 0.00009; gnomAD exomes 0.00002 and 0.00004; TOPMed 0.00005; ExAC 0.00001; gnomAD 0.00002.
gnomAD v4.1: 43 of 1,205,855 alleles (0.0036%); highest among the groups gnomAD compares: Non-Finnish European, 0.0048%; no homozygotes.

Submissions (5):

Labcorp Genetics (formerly Invitae), Labcorp
Classification: Uncertain significance for Duchenne muscular dystrophy. Last evaluated: 2025-10-10. Review status: criteria provided, single submitter. Criteria: Invitae Variant Classification Sherloc (09022015). Collection method: clinical testing. Allele origin: germline.
Comment: This sequence change falls in intron 12 of the DMD gene. It does not directly change the encoded amino acid sequence of the DMD protein. It affects a nucleotide within the consensus splice site. This variant is present in population databases (rs368825354, gnomAD 0.004%). This variant has not been reported in the literature in individuals affected with DMD-related conditions. ClinVar contains an entry for this variant (Variation ID: 291117). Variants that disrupt the consensus splice site are a relatively common cause of aberrant splicing (PMID: 17576681, 9536098). Algorithms developed to predict the effect of sequence changes on RNA splicing suggest that this variant is not likely to affect RNA splicing. In summary, the available evidence is currently insufficient to determine the role of this variant in disease. Therefore, it has been classified as a Variant of Uncertain Significance.

Ambry Genetics
Classification: Uncertain significance for Cardiovascular phenotype. Last evaluated: 2024-12-31. Review status: criteria provided, single submitter. Criteria: Ambry Variant Classification Scheme 2023. Collection method: clinical testing. Allele origin: germline.
Comment: The c.1482+3A>G intronic variant results from an A to G substitution 3 nucleotides after coding exon 12 in the DMD gene. Based on data from gnomAD, the G allele has an overall frequency of 0.0016% (3/182023) total alleles studied, with 1 hemizygote(s) observed. The highest observed frequency was 0.0037% (3/81259) of European (non-Finnish) alleles. This nucleotide position is poorly conserved in available vertebrate species. In silico splice site analysis predicts that this alteration will not have any significant effect on splicing. Since supporting evidence is limited at this time, the clinical significance of this alteration remains unclear.

Women's Health and Genetics/Laboratory Corporation of America, LabCorp
Classification: Uncertain significance. Last evaluated: 2024-09-15. Review status: criteria provided, single submitter. Criteria: LabCorp Variant Classification Summary - May 2015. Collection method: clinical testing. Allele origin: germline.

Eurofins Ntd Llc (ga)
Classification: Uncertain significance. Last evaluated: 2016-09-02. Review status: criteria provided, single submitter. Criteria: EGL Classification Definitions 2015. Collection method: clinical testing. Allele origin: germline. Observed: 1 variant allele, 1 heterozygote.

Natera, Inc.
Classification: Uncertain significance for Becker muscular dystrophy; Cardiomyopathy; Duchenne muscular dystrophy; Dystrophin deficiency. Last evaluated: 2019-01-02. Review status: no assertion criteria provided. Collection method: clinical testing. Allele origin: germline. Not counted in ClinVar's aggregate classification.

Literature cited by the submitters: PubMed 17576681 (cited by Labcorp Genetics (formerly Invitae), Labcorp); PubMed 9536098 (cited by Labcorp Genetics (formerly Invitae), Labcorp).